The following is an entry in ClinVar:

NM_000161.3(GCH1):c.679A>G (p.Thr227Ala)

Gene: GCH1 (GTP cyclohydrolase 1; minus strand). Cytogenetic location: 14q22.2.
Variant type: single nucleotide variant.
Coding change: c.679A>G on transcript NM_000161.3 (MANE Select); coding-DNA position 679, A replaced by G.
Protein change: p.Thr227Ala; replaces threonine 227 with alanine.
Molecular consequence: missense variant. On other transcripts: intron variant (3).
Genome position (GRCh38, 1-based): chr14:54,844,091, T>C on the plus strand (A>G on the coding strand, the complement: GCH1 is on the minus strand). VCF-style: chr14-54844091-T-C. GRCh37 (hg19) VCF-style: chr14-55310809-T-C.
Other names: c.679A>G, p.Thr227Ala (NM_001024024.2); c.385A>G, p.Thr129Ala (NM_001424105.1); c.510-1037A>G (NM_001424104.1); c.627-1037A>G (NM_001024071.2); c.627-222A>G (NM_001024070.2); short protein forms T129A, T227A.
Identifiers: ClinVar variation 3895695 (VCV003895695.1).

ClinVar aggregate classification (germline): Uncertain significance (1 of 4 stars; one submission).

Submission:

Women's Health and Genetics/Laboratory Corporation of America, LabCorp
Classification: Uncertain significance. Last evaluated: 2025-03-12. Review status: criteria provided, single submitter. Criteria: LabCorp Variant Classification Summary - May 2015. Collection method: clinical testing. Allele origin: germline.
Comment: Variant summary: GCH1 c.679A>G (p.Thr227Ala) results in a non-conservative amino acid change in the encoded protein sequence. Five of five in-silico tools predict a damaging effect of the variant on protein function. The variant was absent in 248974 control chromosomes. The available data on variant occurrences in the general population are insufficient to allow any conclusion about variant significance. c.679A>G has been reported in the literature at a heterozygous state in one patient affected with Dystonia and the carrier father was unaffected (Yang_2018). These report(s) do not provide unequivocal conclusions about association of the variant with Dystonia 5. To our knowledge, no experimental evidence demonstrating an impact on protein function has been reported. The following publication has been ascertained in the context of this evaluation (PMID: 29405179). No submitters have cited clinical-significance assessments for this variant to ClinVar. Based on the evidence outlined above, the variant was classified as uncertain significance.

Literature cited by the submitters: PubMed 29405179.